The following is an entry in ClinVar:

NM_000277.3(PAH):c.806T>A (p.Ile269Asn)

Gene: PAH (phenylalanine hydroxylase; minus strand). Cytogenetic location: 12q23.2.
Variant type: single nucleotide variant.
Coding change: c.806T>A on transcript NM_000277.3 (MANE Select); coding-DNA position 806, T replaced by A.
Protein change: p.Ile269Asn; replaces isoleucine 269 with asparagine.
Molecular consequence: missense variant.
Genome position (GRCh38, 1-based): chr12:102,852,851, A>T on the plus strand (T>A on the coding strand, the complement: PAH is on the minus strand). VCF-style: chr12-102852851-A-T. GRCh37 (hg19) VCF-style: chr12-103246629-A-T.
Other names: c.806T>A, p.Ile269Asn (NM_001354304.2); short protein forms I269N.
Identifiers: ClinVar variation 102843 (VCV000102843.4), dbSNP rs199475644, ClinGen allele CA229776.

ClinVar aggregate classification (germline): Likely pathogenic. Review status: criteria provided, multiple submitters, no conflicts (2 of 4 stars). 4 submissions from 4 submitters: Likely pathogenic (3). 1 of the submissions does not count toward it. Last evaluated 2022-03-10.

Conditions:
Phenylketonuria (PKU). Also called: Phenylketonuria (PKU); FOLLING DISEASE; OLIGOPHRENIA PHENYLPYRUVICA; Phenylketonurias. Identifiers: Orphanet 716, MedGen C0031485, MONDO:0009861, OMIM 261600. Disease mechanism: loss of function.

Allele frequency attached by ClinVar (database versions not stated): gnomAD exomes below 0.00001.
gnomAD v4.1: 1 of 1,613,964 alleles (0.000062%); highest among the groups gnomAD compares: Non-Finnish European, 0.000085%; no homozygotes.

Submissions (4):

Baylor Genetics
Classification: Likely pathogenic for Phenylketonuria. Last evaluated: 2022-03-10. Review status: criteria provided, single submitter. Criteria: ACMG Guidelines, 2015. Collection method: clinical testing. Allele origin: unknown.

Fulgent Genetics
Classification: Likely pathogenic for Phenylketonuria. Last evaluated: 2018-10-31. Review status: criteria provided, single submitter. Criteria: ACMG Guidelines, 2015. Collection method: clinical testing. Allele origin: unknown.

GeneDx
Classification: Likely pathogenic. Last evaluated: 2016-08-09. Review status: criteria provided, single submitter. Criteria: GeneDx Variant Classification (06012015). Collection method: clinical testing. Allele origin: germline. Affected: yes.
Comment: The I296N variant has previously been reported in association with classic PKU, however additional information regarding additional PAH variants identified in these patients was not reported (Guldberg et al., 1998; Zschocke et al., 1999; Acosta et al., 2001). This variant has also been reported in an individual with BH4-unresponsive phenylalanine hydroxylase deficiency who was also heterozygous for two additional pathogenic missense variants in the PAH gene, although the phase of these variants was not determined (Sarkissian et al., 2012). The I269N variant is a non-conservative amino acid substitution, which is likely to impact secondary protein structure as these residues differ in polarity, charge, size and/or other properties. This substitution occurs at a position that is conserved across species and is expected to distort ionic interactions with L-Phenylalanine at the substrate binding site of the PAH protein (Pey et al., 2007). In silico analysis predicts this variant is probably damaging to the protein structure/function. Therefore, the I269N variant is likely pathogenic; however, the possibility that it is benign cannot be excluded.

DeBelle Laboratory for Biochemical Genetics, MUHC/MCH RESEARCH INSTITUTE
No classification provided. Review status: no classification provided. Collection method: not provided. Allele origin: not provided. Not counted in ClinVar's aggregate classification.